The following is an entry in ClinVar:

NM_015046.7(SETX):c.6989T>C (p.Ile2330Thr)

Gene: SETX (senataxin; minus strand). Cytogenetic location: 9q34.13.
Variant type: single nucleotide variant.
Coding change: c.6989T>C on transcript NM_015046.7 (MANE Select); coding-DNA position 6989, T replaced by C.
Protein change: p.Ile2330Thr; replaces isoleucine 2330 with threonine.
Molecular consequence: missense variant.
Genome position (GRCh38, 1-based): chr9:132,275,367, A>G on the plus strand (T>C on the coding strand, the complement: SETX is on the minus strand). VCF-style: chr9-132275367-A-G. GRCh37 (hg19) VCF-style: chr9-135150754-A-G.
Other names: c.6989T>C, p.Ile2330Thr (NM_001351527.2, NM_001351528.2); short protein forms I2330T.
Identifiers: ClinVar variation 3364827 (VCV003364827.2).

ClinVar aggregate classification (germline): Uncertain significance (1 of 4 stars; one submission).

Submission:

GeneDx
Classification: Uncertain significance. Last evaluated: 2025-04-02. Review status: criteria provided, single submitter. Criteria: GeneDx Variant Classification Process June 2021. Collection method: clinical testing. Allele origin: germline.
Comment: Not observed at significant frequency in large population cohorts (gnomAD); In silico analysis supports that this missense variant has a deleterious effect on protein structure/function; Has not been previously published as pathogenic or benign to our knowledge